The following is an entry in ClinVar:

ClinVar aggregate classification (germline): Uncertain significance (1 of 4 stars; one submission).

Conditions:
Inborn genetic diseases. Identifiers: MedGen C0950123, MeSH D030342.

gnomAD v4.1: 5 of 1,614,010 alleles (0.00031%); highest among the groups gnomAD compares: Non-Finnish European, 0.00042%; no homozygotes.

Submission:

Ambry Genetics
Classification: Uncertain significance for Inborn genetic diseases. Last evaluated: 2023-09-23. Review status: criteria provided, single submitter. Criteria: Ambry Variant Classification Scheme 2023. Collection method: clinical testing. Allele origin: germline.
Comment: The p.H1012Y variant (also known as c.3034C>T), located in coding exon 23 of the LRRK2 gene, results from a C to T substitution at nucleotide position 3034. The histidine at codon 1012 is replaced by tyrosine, an amino acid with similar properties. This amino acid position is conserved. In addition, the in silico prediction for this alteration is inconclusive. Since supporting evidence is limited at this time, the clinical significance of this alteration remains unclear.

NM_198578.4(LRRK2):c.3034C>T (p.His1012Tyr)

Gene: LRRK2 (leucine rich repeat kinase 2; plus strand). Cytogenetic location: 12q12.
Variant type: single nucleotide variant.
Coding change: c.3034C>T on transcript NM_198578.4 (MANE Select); coding-DNA position 3034, C replaced by T.
Protein change: p.His1012Tyr; replaces histidine 1012 with tyrosine.
Molecular consequence: missense variant.
Genome position (GRCh38, 1-based): chr12:40,295,582, C>T. VCF-style: chr12-40295582-C-T. GRCh37 (hg19) VCF-style: chr12-40689384-C-T.
Other names: short protein forms H1012Y.
Identifiers: ClinVar variation 3229589 (VCV003229589.1), dbSNP rs1368080388, ClinGen allele CA384412915.